The following is an entry in ClinVar:

NM_001006658.3(CR2):c.622C>T (p.Pro208Ser)

Gene: CR2 (complement C3d receptor 2; plus strand). Cytogenetic location: 1q32.2.
Variant type: single nucleotide variant.
Coding change: c.622C>T on transcript NM_001006658.3 (MANE Select); coding-DNA position 622, C replaced by T.
Protein change: p.Pro208Ser; replaces proline 208 with serine.
Molecular consequence: missense variant.
Genome position (GRCh38, 1-based): chr1:207,468,703, C>T. VCF-style: chr1-207468703-C-T. GRCh37 (hg19) VCF-style: chr1-207642048-C-T.
Other names: c.622C>T, p.Pro208Ser (NM_001877.5); short protein forms P208S.
Identifiers: ClinVar variation 578639 (VCV000578639.6), dbSNP rs769415969, ClinGen allele CA1368476.
Genomic context (GRCh38, chr1:207,468,703, plus strand): 5'-TTGCTTGTTGGAGAAAAGATCATTAACTGTTTGTCTTCGGGAAAATGGAGTGCTGTCCCC[C>T]CCACATGTGAAGGTACCCTAAATTTACAATCTATTTTAAGAATCTGGGCTGTTCTGTTAT-3'
Protein context (NP_001006659.1, residues 198-218): LSSGKWSAVP[Pro208Ser]TCEEARCKSL

ClinVar aggregate classification (germline): Uncertain significance (1 of 4 stars; one submission).

Conditions:
Immunodeficiency, common variable, 7. Identifiers: Orphanet 1572, Orphanet 696894, MedGen C3542922, MONDO:0013862, OMIM 614699.

Allele frequency attached by ClinVar (database versions not stated): TOPMed 0.00002.
gnomAD v4.1: 21 of 1,613,990 alleles (0.0013%); highest among the groups gnomAD compares: South Asian, 0.0033%; no homozygotes.

Submission:

Labcorp Genetics (formerly Invitae), Labcorp
Classification: Uncertain significance for Immunodeficiency, common variable, 7. Last evaluated: 2021-06-20. Review status: criteria provided, single submitter. Criteria: Invitae Variant Classification Sherloc (09022015). Collection method: clinical testing. Allele origin: germline.
Comment: In summary, the available evidence is currently insufficient to determine the role of this variant in disease. Therefore, it has been classified as a Variant of Uncertain Significance. Algorithms developed to predict the effect of missense changes on protein structure and function are either unavailable or do not agree on the potential impact of this missense change (SIFT: "Tolerated"; PolyPhen-2: "Probably Damaging"; Align-GVGD: "Class C0"). This variant has not been reported in the literature in individuals with CR2-related conditions. ClinVar contains an entry for this variant (Variation ID: 578639). This variant is present in population databases (rs769415969, ExAC 0.001%). This sequence change replaces proline with serine at codon 208 of the CR2 protein (p.Pro208Ser). The proline residue is highly conserved and there is a moderate physicochemical difference between proline and serine.